The following is an entry in ClinVar:

NM_153240.5(NPHP3):c.1986G>C (p.Arg662Ser)

Genes: NPHP3 (nephrocystin 3; minus strand), NPHP3-ACAD11 (NPHP3-ACAD11 readthrough (NMD candidate); minus strand). Cytogenetic location: 3q22.1.
Variant type: single nucleotide variant.
Coding change: c.1986G>C on transcript NM_153240.5 (MANE Select); coding-DNA position 1986, G replaced by C.
Protein change: p.Arg662Ser; replaces arginine 662 with serine.
Molecular consequence: missense variant. On other transcripts: non-coding transcript variant (1).
Genome position (GRCh38, 1-based): chr3:132,697,362, C>G on the plus strand (G>C on the coding strand, the complement: NPHP3 is on the minus strand). VCF-style: chr3-132697362-C-G. GRCh37 (hg19) VCF-style: chr3-132416206-C-G.
Other names: short protein forms R662S.
Identifiers: ClinVar variation 849419 (VCV000849419.7), dbSNP rs77533254, ClinGen allele CA354582349.

ClinVar aggregate classification (germline): Uncertain significance (1 of 4 stars; one submission).

Conditions:
Nephronophthisis. Also called: Juvenile Nephronophthisis. Identifiers: Orphanet 655, MedGen C0687120, MONDO:0019005, HP:0000090.

gnomAD v4.1: 2 of 1,593,464 alleles (0.00013%); highest among the groups gnomAD compares: Non-Finnish European, 0.000086%; no homozygotes.

Submission:

Labcorp Genetics (formerly Invitae), Labcorp
Classification: Uncertain significance for Nephronophthisis. Last evaluated: 2019-02-13. Review status: criteria provided, single submitter. Criteria: Invitae Variant Classification Sherloc (09022015). Collection method: clinical testing. Allele origin: germline.
Comment: Algorithms developed to predict the effect of sequence changes on RNA splicing suggest that this variant may disrupt the consensus splice site, but this prediction has not been confirmed by published transcriptional studies. In summary, the available evidence is currently insufficient to determine the role of this variant in disease. Therefore, it has been classified as a Variant of Uncertain Significance. Algorithms developed to predict the effect of missense changes on protein structure and function are either unavailable or do not agree on the potential impact of this missense change (SIFT: "Deleterious"; PolyPhen-2: "Possibly Damaging"; Align-GVGD: "Class C0"). This variant has not been reported in the literature in individuals with NPHP3-related conditions. This variant is not present in population databases (ExAC no frequency). This sequence change replaces arginine with serine at codon 662 of the NPHP3 protein (p.Arg662Ser). The arginine residue is highly conserved and there is a moderate physicochemical difference between arginine and serine.